The following is an entry in ClinVar:

ClinVar aggregate classification (germline): Likely benign (0 of 4 stars; one submission).

Conditions:
DGKQ-related disorder. Also called: DGKQ-related condition.

Allele frequency attached by ClinVar (database versions not stated): ExAC 0.00001; gnomAD 0.00001.
gnomAD v4.1: 36 of 1,607,148 alleles (0.0022%); highest among the groups gnomAD compares: Non-Finnish European, 0.003%; no homozygotes.

Submission:

PreventionGenetics, part of Exact Sciences
Classification: Likely benign for DGKQ-related condition. Last evaluated: 2019-06-19. Review status: no assertion criteria provided. Collection method: clinical testing. Allele origin: germline.
Comment: This variant is classified as likely benign based on ACMG/AMP sequence variant interpretation guidelines (Richards et al. 2015 PMID: 25741868, with internal and published modifications).

NM_001347.4(DGKQ):c.2637C>A (p.Val879=)

Gene: DGKQ (diacylglycerol kinase theta; minus strand). Cytogenetic location: 4p16.3.
Variant type: single nucleotide variant.
Coding change: c.2637C>A on transcript NM_001347.4 (MANE Select); coding-DNA position 2637, C replaced by A.
Protein change: p.Val879=; no amino-acid change (valine 879 retained).
Molecular consequence: synonymous variant.
Genome position (GRCh38, 1-based): chr4:961,139, G>T on the plus strand (C>A on the coding strand, the complement: DGKQ is on the minus strand). VCF-style: chr4-961139-G-T. GRCh37 (hg19) VCF-style: chr4-954927-G-T.
Identifiers: ClinVar variation 3033599 (VCV003033599.2), dbSNP rs760056995, ClinGen allele CA2799817.
Genomic context (GRCh38, chr4:961,139, plus strand): 5'-CCCCGGGGCCTGGACCCAGGGCTCCCCGTCCACCTGCACCGGGGTGGCCTTGAGGAGCGT[G>T]ACTCGGAAGTAGGAACCCTGGGCAATCCGGATTCCGGAGCGCAGCCCACCCTGGACCTGG-3'
Protein context (NP_001338.2, residues 869-889): IRIAQGSYFR[Val879=]TLLKATPVQV